The following is an entry in ClinVar:

NM_174936.4(PCSK9):c.1019A>G (p.Asn340Ser)

Gene: PCSK9 (proprotein convertase subtilisin/kexin type 9; plus strand). Cytogenetic location: 1p32.3.
Variant type: single nucleotide variant.
Coding change: c.1019A>G on transcript NM_174936.4 (MANE Select); coding-DNA position 1019, A replaced by G.
Protein change: p.Asn340Ser; replaces asparagine 340 with serine.
Molecular consequence: missense variant. On other transcripts: non-coding transcript variant (7).
Genome position (GRCh38, 1-based): chr1:55,057,353, A>G. VCF-style: chr1-55057353-A-G. GRCh37 (hg19) VCF-style: chr1-55523026-A-G.
Other names: c.1142A>G, p.Asn381Ser (NM_001407240.1); c.1019A>G, p.Asn340Ser (NM_001407241.1, NM_001407244.1, NM_001407247.1); c.1022A>G, p.Asn341Ser (NM_001407242.1); c.962A>G, p.Asn321Ser (NM_001407243.1); c.827A>G, p.Asn276Ser (NM_001407245.1); c.644A>G, p.Asn215Ser (NM_001407246.1); short protein forms N215S, N276S, N321S, N340S, N341S, N381S.
Identifiers: ClinVar variation 3071875 (VCV003071875.1), dbSNP rs745314022, ClinGen allele CA034648.

ClinVar aggregate classification (germline): Uncertain significance (1 of 4 stars; one submission).

Conditions:
Hypercholesterolemia, autosomal dominant, 3 (FHCL3). Also called: Familial Hypercholesterolemia, Autosomal Dominant, 3; PCSK9-Related Familial Hypercholesterolemia, Autosomal Dominant; Familial hypercholesterolemia 3. Identifiers: MedGen C1863551, MONDO:0011369, OMIM 603776.

Allele frequency attached by ClinVar (database versions not stated): gnomAD exomes 0.00001; ExAC 0.00002.
gnomAD v4.1: 5 of 1,613,958 alleles (0.00031%); highest among the groups gnomAD compares: East Asian, 0.0022%; no homozygotes.

Submission:

All of Us Research Program, National Institutes of Health
Classification: Uncertain significance for Hypercholesterolemia, autosomal dominant, 3. Last evaluated: 2023-06-26. Review status: criteria provided, single submitter. Criteria: ACMG Guidelines, 2015. Collection method: clinical testing. Allele origin: germline. Inheritance: Autosomal dominant inheritance. Observed: 1 variant allele, 1 heterozygote.
Comment: This missense variant replaces asparagine with serine at codon 340 of the PCSK9 protein. Computational prediction suggests that this variant may not impact protein structure and function (internally defined REVEL score threshold <= 0.5, PMID: 27666373). To our knowledge, functional studies have not been reported for this variant. This variant has not been reported in individuals affected with PCSK9-related disorders in the literature. This variant has been identified in 2/251008 chromosomes in the general population by the Genome Aggregation Database (gnomAD). The available evidence is insufficient to determine the role of this variant in disease conclusively. Therefore, this variant is classified as a Variant of Uncertain Significance.

This study involves interpretation of variants in research participants for the purpose of population health screening. Participant phenotype was not available at the time of variant classification. Additional details can be found in publication PMID: 35346344, PMCID: PMC8962531